The following is an entry in ClinVar:

ClinVar aggregate classification (germline): Uncertain significance (1 of 4 stars; one submission).

Conditions:
Microcephaly, normal intelligence and immunodeficiency (NBS). Also called: Nijmegen breakage syndrome; Microcephaly with normal intelligence immunodeficiency and lymphoreticular malignancies; Nonsyndromal microcephaly autosomal recessive with normal intelligence; Seemanova syndrome 2; BERLIN BREAKAGE SYNDROME; IMMUNODEFICIENCY, MICROCEPHALY, AND CHROMOSOMAL INSTABILITY. Identifiers: Orphanet 647, MedGen C0398791, MONDO:0009623, OMIM 251260.

Allele frequency attached by ClinVar (database versions not stated): gnomAD exomes below 0.00001.
gnomAD v4.1: 1 of 1,611,508 alleles (0.000062%); highest among the groups gnomAD compares: Non-Finnish European, 0.000085%; no homozygotes.

Submission:

Labcorp Genetics (formerly Invitae), Labcorp
Classification: Uncertain significance for Microcephaly, normal intelligence and immunodeficiency. Last evaluated: 2023-02-16. Review status: criteria provided, single submitter. Criteria: Invitae Variant Classification Sherloc (09022015). Collection method: clinical testing. Allele origin: germline.
Comment: This sequence change affects codon 466 of the NBN mRNA. It is a 'silent' change, meaning that it does not change the encoded amino acid sequence of the NBN protein. It affects a nucleotide within the consensus splice site. This variant is not present in population databases (gnomAD no frequency). This variant has not been reported in the literature in individuals affected with NBN-related conditions. Algorithms developed to predict the effect of sequence changes on RNA splicing suggest that this variant may create or strengthen a splice site. In summary, the available evidence is currently insufficient to determine the role of this variant in disease. Therefore, it has been classified as a Variant of Uncertain Significance.

NM_002485.5(NBN):c.1396A>C (p.Arg466=)

Gene: NBN (nibrin; minus strand). Cytogenetic location: 8q21.3.
Variant type: single nucleotide variant.
Coding change: c.1396A>C on transcript NM_002485.5 (MANE Select); coding-DNA position 1396, A replaced by C.
Protein change: p.Arg466=; no amino-acid change (arginine 466 retained).
Molecular consequence: synonymous variant.
Genome position (GRCh38, 1-based): chr8:89,955,284, T>G on the plus strand (A>C on the coding strand, the complement: NBN is on the minus strand). VCF-style: chr8-89955284-T-G. GRCh37 (hg19) VCF-style: chr8-90967512-T-G.
Other names: c.1150A>C, p.Arg384= (NM_001024688.3).
Identifiers: ClinVar variation 2837906 (VCV002837906.3), dbSNP rs1810646211, ClinGen allele CA462114812.
Genomic context (GRCh38, chr8:89,955,284, plus strand): 5'-CAGTATAAAAAACTTTCATTTTTTTTTCAGAGACATGAGAGAAGTTATCAAAAACAGACC[T>G]TTTTTTGGTAGACGGCTGAAAGTAGTTTCTGATGGAGTTGGTCTGCTGCTGCTGAGAAGC-3'
Protein context (NP_002476.2, residues 456-476): RNYFQPSTKK[Arg466=]ERDEENQEMS